The following is an entry in ClinVar:

ClinVar aggregate classification (germline): Uncertain significance (1 of 4 stars; one submission).

Submission:

GeneDx
Classification: Uncertain significance. Last evaluated: 2022-06-30. Review status: criteria provided, single submitter. Criteria: GeneDx Variant Classification Process June 2021. Collection method: clinical testing. Allele origin: germline. Affected: yes.
Comment: Not observed at significant frequency in large population cohorts (gnomAD); In silico analysis supports that this missense variant does not alter protein structure/function; Has not been previously published as pathogenic or benign to our knowledge

NM_001182.5(ALDH7A1):c.173G>A (p.Ser58Asn)

Gene: ALDH7A1 (aldehyde dehydrogenase 7 family member A1; minus strand). Cytogenetic location: 5q23.2.
Variant type: single nucleotide variant.
Coding change: c.173G>A on transcript NM_001182.5 (MANE Select); coding-DNA position 173, G replaced by A.
Protein change: p.Ser58Asn; replaces serine 58 with asparagine.
Molecular consequence: missense variant.
Genome position (GRCh38, 1-based): chr5:126,595,026, C>T on the plus strand (G>A on the coding strand, the complement: ALDH7A1 is on the minus strand). VCF-style: chr5-126595026-C-T. GRCh37 (hg19) VCF-style: chr5-125930718-C-T.
Other names: c.89G>A, p.Ser30Asn (NM_001201377.2); c.173G>A, p.Ser58Asn (NM_001202404.2); short protein forms S30N, S58N.
Identifiers: ClinVar variation 1810160 (VCV001810160.1), dbSNP rs2480372431, ClinGen allele CA360733689.